The following is an entry in ClinVar:

ClinVar aggregate classification (germline): Pathogenic (1 of 4 stars; one submission).

Conditions:
Familial intrahepatic cholestasis. Identifiers: Orphanet 284385, MedGen CN296401, MONDO:0017290.

Submission:

Genomenon, Inc
Classification: Pathogenic for Familial intrahepatic cholestasis. Last evaluated: 2026-04-14. Review status: criteria provided, single submitter. Criteria: Genomenon Sequence Variant Interpretation Standards - Updated. Collection method: curation. Allele origin: germline. Affected: yes.
Comment: ABCB11 p.Lys38ArgfsTer24 (c.113del) is a frameshift variant that results in the production of a truncated protein which is predicted to undergo nonsense-mediated mRNA decay. This variant has been observed in at least one proband with an ABCB11-related disorder (PMID:27050426). It is absent or not present at a significant frequency in gnomAD. In conclusion, we classify ABCB11 p.Lys38ArgfsTer24 (c.113del) as a pathogenic variant.

Literature cited by the submitters: PubMed 27050426.

NM_003742.4(ABCB11):c.113del (p.Lys38fs)

Gene: ABCB11 (ATP binding cassette subfamily B member 11; minus strand). Cytogenetic location: 2q31.1.
Variant type: Deletion.
Coding change: c.113del on transcript NM_003742.4 (MANE Select); coding-DNA position 113, one base deleted (A; older notation c.113delA).
Protein change: p.Lys38fs; shifts the reading frame from lysine 38.
Molecular consequence: frameshift variant.
Genome position (GRCh38, 1-based): chr2:169,014,340, T deleted on the plus strand (A on the coding strand, the reverse complement: ABCB11 is on the minus strand); the first of 2 consecutive T bases (chr2:169,014,340-169,014,341); deleting either gives the same sequence. VCF-style (leftmost placement, unchanged base first): chr2-169014339-CT-C. GRCh37 (hg19) VCF-style: chr2-169870849-CT-C.
Other names: short protein forms K38fs.
Identifiers: ClinVar variation 4846068 (VCV004846068.1).
Genomic context (GRCh38, chr2:169,014,339, plus strand): 5'-CATAAATCAACACAGTTTTATTACCAATTGAAAGAAGCCAACTCTAACGCCATCACCTTT[CT>C]TCTCATCTTGTAACCTGATGAGAAAAACATAAGGATTTAAAGACCACCCTTTCCAATACA-3'